The following is an entry in ClinVar:

ClinVar aggregate classification (germline): Likely benign (1 of 4 stars; one submission).

Allele frequency attached by ClinVar (database versions not stated): TOPMed 0.01643; gnomAD 0.01645 and 0.01713; 1000 Genomes Project 0.02037; 1000 Genomes Project 30x 0.02077.
gnomAD v4.1: 2,604 of 152,212 alleles (1.7%); highest among the groups gnomAD compares: East Asian, 4.1%; 27 homozygotes.

Submission:

GeneDx
Classification: Likely benign. Last evaluated: 2018-06-14. Review status: criteria provided, single submitter. Criteria: GeneDx Variant Classification (06012015). Collection method: clinical testing. Allele origin: germline. Affected: yes.
Comment: This variant is considered likely benign or benign based on one or more of the following criteria: it is a conservative change, it occurs at a poorly conserved position in the protein, it is predicted to be benign by multiple in silico algorithms, and/or has population frequency not consistent with disease.

NM_000093.5(COL5A1):c.2953-301G>C

Gene: COL5A1 (collagen type V alpha 1 chain; plus strand). Cytogenetic location: 9q34.3.
Variant type: single nucleotide variant.
Coding change: c.2953-301G>C on transcript NM_000093.5 (MANE Select); 301 bases into the intron before coding-DNA position 2953, G replaced by C.
Molecular consequence: intron variant.
Genome position (GRCh38, 1-based): chr9:134,801,653, G>C. VCF-style: chr9-134801653-G-C. GRCh37 (hg19) VCF-style: chr9-137693499-G-C.
Other names: c.2953-301G>C (NM_001278074.1).
Identifiers: ClinVar variation 669741 (VCV000669741.1), dbSNP rs62571400, ClinGen allele CA201111440.